The following is an entry in ClinVar:

NM_001378615.1(CC2D2A):c.1891G>C (p.Glu631Gln)

Genes: FBXL5 (F-box and leucine rich repeat protein 5; minus strand), CC2D2A (coiled-coil and C2 domain containing 2A; plus strand). Cytogenetic location: 4p15.32.
Variant type: single nucleotide variant.
Coding change: c.1891G>C on transcript NM_001378615.1 (MANE Select); coding-DNA position 1891, G replaced by C.
Protein change: p.Glu631Gln; replaces glutamic acid 631 with glutamine.
Molecular consequence: missense variant.
Genome position (GRCh38, 1-based): chr4:15,538,025, G>C. VCF-style: chr4-15538025-G-C. GRCh37 (hg19) VCF-style: chr4-15539648-G-C.
Other names: c.1891G>C, p.Glu631Gln (NM_001080522.2); c.1744G>C, p.Glu582Gln (NM_001378617.1); short protein forms E582Q, E631Q.
Identifiers: ClinVar variation 2145787 (VCV002145787.2), dbSNP rs2474978927, ClinGen allele CA356411796.
Genomic context (GRCh38, chr4:15,538,025, plus strand): 5'-TATCCCGAGGAGGACCTTGTGAAGCCCAGCCCTCCAGAGCCCACTGATCGGGCAGTGATA[G>C]AGCAGGAGGTGAGGGAGAGAGCAGCCCAGAGCAGGAGGAGGCCTTGGGAGCCCACGCTGG-3'
Protein context (NP_001365544.1, residues 621-641): PPEPTDRAVI[Glu631Gln]QEVRERAAQS

ClinVar aggregate classification (germline): Uncertain significance (1 of 4 stars; one submission).

Conditions:
Joubert syndrome. Also called: JOUBERT-BOLTSHAUSER SYNDROME; Familial aplasia of the vermis. Identifiers: Orphanet 475, MedGen C5979921, MONDO:0018772.
Meckel-Gruber syndrome. Also called: DYSENCEPHALIA SPLANCHNOCYSTICA; GRUBER SYNDROME; Dysencephalia splachnocystica. Identifiers: Orphanet 564, MedGen C0265215, MONDO:0018921.

Submission:

Labcorp Genetics (formerly Invitae), Labcorp
Classification: Uncertain significance for Joubert syndrome; Meckel-Gruber syndrome. Last evaluated: 2022-06-10. Review status: criteria provided, single submitter. Criteria: Invitae Variant Classification Sherloc (09022015). Collection method: clinical testing. Allele origin: germline.
Comment: In summary, the available evidence is currently insufficient to determine the role of this variant in disease. Therefore, it has been classified as a Variant of Uncertain Significance. Algorithms developed to predict the effect of missense changes on protein structure and function are either unavailable or do not agree on the potential impact of this missense change (SIFT: "Tolerated"; PolyPhen-2: "Probably Damaging"; Align-GVGD: "Class C0"). This variant has not been reported in the literature in individuals affected with CC2D2A-related conditions. This variant is not present in population databases (gnomAD no frequency). This sequence change replaces glutamic acid, which is acidic and polar, with glutamine, which is neutral and polar, at codon 631 of the CC2D2A protein (p.Glu631Gln).